The following is an entry in ClinVar:

NM_000346.4(SOX9):c.944dup (p.Tyr315Ter)

Gene: SOX9 (SRY-box transcription factor 9; plus strand). Cytogenetic location: 17q24.3.
Variant type: Duplication.
Coding change: c.944dup on transcript NM_000346.4 (MANE Select); coding-DNA position 944, one base duplicated (A; older notation c.944dupA).
Protein change: p.Tyr315Ter; replaces tyrosine 315 with a stop codon.
Molecular consequence: nonsense.
Genome position (GRCh38, 1-based): chr17:72,123,801, A duplicated. VCF-style (leftmost placement, unchanged base first): chr17-72123800-T-TA. GRCh37 (hg19) VCF-style: chr17-70119941-T-TA.
Other names: short protein forms Y315*.
Identifiers: ClinVar variation 2833709 (VCV002833709.3), dbSNP rs2509626302, ClinGen allele CA2739268449.

ClinVar aggregate classification (germline): Pathogenic (1 of 4 stars; one submission).

Conditions:
Camptomelic dysplasia (CMPD). Also called: CMPD1/SRA1; Campomelic Dysplasia. Identifiers: Orphanet 140, MedGen C1861922, MONDO:0007251, OMIM 114290.

Submission:

Labcorp Genetics (formerly Invitae), Labcorp
Classification: Pathogenic for Camptomelic dysplasia. Last evaluated: 2023-02-01. Review status: criteria provided, single submitter. Criteria: Invitae Variant Classification Sherloc (09022015). Collection method: clinical testing. Allele origin: germline.
Comment: This variant has not been reported in the literature in individuals affected with SOX9-related conditions. This sequence change creates a premature translational stop signal (p.Tyr315*) in the SOX9 gene. While this is not anticipated to result in nonsense mediated decay, it is expected to disrupt the last 195 amino acid(s) of the SOX9 protein. This variant is not present in population databases (gnomAD no frequency). This variant disrupts a region of the SOX9 protein in which other variant(s) (p.Arg394*) have been determined to be pathogenic (PMID: 31389106; Invitae). This suggests that this is a clinically significant region of the protein, and that variants that disrupt it are likely to be disease-causing. For these reasons, this variant has been classified as Pathogenic.

Literature cited by the submitters: PubMed 31389106.